The following is an entry in ClinVar:

NM_000082.4(ERCC8):c.1055del (p.Gly352fs)

Gene: ERCC8 (ERCC excision repair 8, CSA ubiquitin ligase complex subunit; minus strand). Cytogenetic location: 5q12.1.
Variant type: Deletion.
Coding change: c.1055del on transcript NM_000082.4 (MANE Select); coding-DNA position 1055, one base deleted (G; older notation c.1055delG).
Protein change: p.Gly352fs; shifts the reading frame from glycine 352.
Molecular consequence: frameshift variant.
Genome position (GRCh38, 1-based): chr5:60,887,507, C deleted on the plus strand (G on the coding strand, the reverse complement: ERCC8 is on the minus strand); the first of 2 consecutive C bases (chr5:60,887,507-60,887,508); deleting either gives the same sequence. VCF-style (leftmost placement, unchanged base first): chr5-60887506-AC-A. GRCh37 (hg19) VCF-style: chr5-60183333-AC-A.
Other names: c.881del, p.Gly294fs (NM_001007233.3); c.596del, p.Gly199fs (NM_001290285.2); short protein forms G199fs, G294fs, G352fs.
Identifiers: ClinVar variation 1964035 (VCV001964035.2), dbSNP rs2531763362, ClinGen allele CA2578317839.

ClinVar aggregate classification (germline): Uncertain significance (1 of 4 stars; one submission).

Submission:

Labcorp Genetics (formerly Invitae), Labcorp
Classification: Uncertain significance. Last evaluated: 2022-09-13. Review status: criteria provided, single submitter. Criteria: Invitae Variant Classification Sherloc (09022015). Collection method: clinical testing. Allele origin: germline.
Comment: This sequence change creates a premature translational stop signal (p.Gly352Valfs*30) in the ERCC8 gene. While this is not anticipated to result in nonsense mediated decay, it is expected to disrupt the last 45 amino acid(s) of the ERCC8 protein. This variant is not present in population databases (gnomAD no frequency). This variant has not been reported in the literature in individuals affected with ERCC8-related conditions. Experimental studies and prediction algorithms are not available or were not evaluated, and the functional significance of this variant is currently unknown. In summary, the available evidence is currently insufficient to determine the role of this variant in disease. Therefore, it has been classified as a Variant of Uncertain Significance.